The following is an entry in ClinVar:

NM_032043.3(BRIP1):c.2741del (p.Ser913_Leu914insTer)

Gene: BRIP1 (BRCA1 interacting DNA helicase 1; minus strand). Cytogenetic location: 17q23.2.
Variant type: Deletion.
Coding change: c.2741del on transcript NM_032043.3 (MANE Select); coding-DNA position 2741, one base deleted (T; older notation c.2741delT).
Protein change: p.Ser913_Leu914insTer.
Molecular consequence: nonsense.
Genome position (GRCh38, 1-based): chr17:61,686,000, A deleted on the plus strand (T on the coding strand, the reverse complement: BRIP1 is on the minus strand); the first of 3 consecutive A bases (chr17:61,686,000-61,686,002); deleting any one gives the same sequence. VCF-style (leftmost placement, unchanged base first): chr17-61685999-TA-T. GRCh37 (hg19) VCF-style: chr17-59763360-TA-T.
Identifiers: ClinVar variation 1410253 (VCV001410253.8), dbSNP rs2144113001, ClinGen allele CA2573154366.

ClinVar aggregate classification (germline): Pathogenic. Review status: criteria provided, multiple submitters, no conflicts (2 of 4 stars). 2 submissions from 2 submitters: Pathogenic (2). Last evaluated 2024-06-10.

Conditions:
Familial cancer of breast. Also called: hereditary breast carcinoma; BREAST CANCER, FAMILIAL; Hereditary breast cancer. Identifiers: Orphanet 227535, MedGen C0346153, MONDO:0016419, OMIM 114480. Disease mechanism: loss of function.
Fanconi anemia complementation group J. Also called: BRIP1-Related Fanconi Anemia. Identifiers: Orphanet 84, MedGen C1836860, MONDO:0012187, OMIM 609054.

Submissions (2):

Labcorp Genetics (formerly Invitae), Labcorp
Classification: Pathogenic for Familial cancer of breast; Fanconi anemia complementation group J. Last evaluated: 2024-06-10. Review status: criteria provided, single submitter. Criteria: Invitae Variant Classification Sherloc (09022015). Collection method: clinical testing. Allele origin: germline.
Comment: This sequence change creates a premature translational stop signal (p.Leu914*) in the BRIP1 gene. It is expected to result in an absent or disrupted protein product. Loss-of-function variants in BRIP1 are known to be pathogenic (PMID: 16116423, 17033622, 21964575). This variant is not present in population databases (gnomAD no frequency). This variant has not been reported in the literature in individuals affected with BRIP1-related conditions. ClinVar contains an entry for this variant (Variation ID: 1410253). For these reasons, this variant has been classified as Pathogenic.

Myriad Genetics, Inc.
Classification: Pathogenic for Familial cancer of breast. Last evaluated: 2024-05-13. Review status: criteria provided, single submitter. Criteria: Myriad Autosomal Dominant, Autosomal Recessive and X-Linked Classification Criteria (2023). Collection method: clinical testing. Allele origin: unknown.
Comment: This variant is considered pathogenic. This variant creates a termination codon and is predicted to result in premature protein truncation.

Literature cited by the submitters: PubMed 16116423 (cited by Labcorp Genetics (formerly Invitae), Labcorp); PubMed 17033622 (cited by Labcorp Genetics (formerly Invitae), Labcorp); PubMed 21964575 (cited by Labcorp Genetics (formerly Invitae), Labcorp).